The following is an entry in ClinVar:

NM_001164665.2(KIAA1549):c.4525G>T (p.Ala1509Ser)

Gene: KIAA1549 (KIAA1549; minus strand). Cytogenetic location: 7q34.
Variant type: single nucleotide variant.
Coding change: c.4525G>T on transcript NM_001164665.2 (MANE Select); coding-DNA position 4525, G replaced by T.
Protein change: p.Ala1509Ser; replaces alanine 1509 with serine.
Molecular consequence: missense variant.
Genome position (GRCh38, 1-based): chr7:138,871,183, C>A on the plus strand (G>T on the coding strand, the complement: KIAA1549 is on the minus strand). VCF-style: chr7-138871183-C-A. GRCh37 (hg19) VCF-style: chr7-138555929-C-A.
Other names: c.4525G>T, p.Ala1509Ser (NM_020910.3); short protein forms A1509S.
Identifiers: ClinVar variation 1950008 (VCV001950008.5), dbSNP rs1432914275, ClinGen allele CA369374472.

ClinVar aggregate classification (germline): Uncertain significance (1 of 4 stars; one submission).

Allele frequency attached by ClinVar (database versions not stated): gnomAD exomes below 0.00001.
gnomAD v4.1: 1 of 1,612,928 alleles (0.000062%); highest among the groups gnomAD compares: African/African-American, 0.0013%; no homozygotes.

Submission:

Labcorp Genetics (formerly Invitae), Labcorp
Classification: Uncertain significance. Last evaluated: 2025-02-17. Review status: criteria provided, single submitter. Criteria: Invitae Variant Classification Sherloc (09022015). Collection method: clinical testing. Allele origin: germline.
Comment: This sequence change replaces alanine, which is neutral and non-polar, with serine, which is neutral and polar, at codon 1509 of the KIAA1549 protein (p.Ala1509Ser). This variant is not present in population databases (gnomAD no frequency). This variant has not been reported in the literature in individuals affected with KIAA1549-related conditions. ClinVar contains an entry for this variant (Variation ID: 1950008). An algorithm developed to predict the effect of missense changes on protein structure and function (PolyPhen-2) suggests that this variant is likely to be disruptive. In summary, the available evidence is currently insufficient to determine the role of this variant in disease. Therefore, it has been classified as a Variant of Uncertain Significance.